The following is an entry in ClinVar:

ClinVar aggregate classification (germline): Uncertain significance. Review status: criteria provided, multiple submitters, no conflicts (2 of 4 stars). 2 submissions from 2 submitters: Uncertain significance (2). Last evaluated 2025-04-28.

Conditions:
Progressive familial heart block type IB (PFHB1B). Identifiers: Orphanet 871, MedGen C1970298, MONDO:0011474, OMIM 604559.
Cardiovascular phenotype. Identifiers: MedGen CN230736.

Allele frequency attached by ClinVar (database versions not stated): TOPMed 0.00002; gnomAD exomes 0.00001.
gnomAD v4.1: 4 of 1,614,140 alleles (0.00025%); highest among the groups gnomAD compares: African/African-American, 0.0053%; no homozygotes.

Submissions (2):

Labcorp Genetics (formerly Invitae), Labcorp
Classification: Uncertain significance for Progressive familial heart block type IB. Last evaluated: 2025-04-28. Review status: criteria provided, single submitter. Criteria: Invitae Variant Classification Sherloc (09022015). Collection method: clinical testing. Allele origin: germline.
Comment: This sequence change replaces alanine, which is neutral and non-polar, with threonine, which is neutral and polar, at codon 592 of the TRPM4 protein (p.Ala592Thr). This variant is present in population databases (no rsID available, gnomAD 0.02%). This variant has not been reported in the literature in individuals affected with TRPM4-related conditions. ClinVar contains an entry for this variant (Variation ID: 2104014). An algorithm developed to predict the effect of missense changes on protein structure and function (PolyPhen-2) suggests that this variant is likely to be disruptive. In summary, the available evidence is currently insufficient to determine the role of this variant in disease. Therefore, it has been classified as a Variant of Uncertain Significance.

Ambry Genetics
Classification: Uncertain significance for Cardiovascular phenotype. Last evaluated: 2023-03-23. Review status: criteria provided, single submitter. Criteria: Ambry Variant Classification Scheme 2023. Collection method: clinical testing. Allele origin: germline.
Comment: The p.A592T variant (also known as c.1774G>A), located in coding exon 13 of the TRPM4 gene, results from a G to A substitution at nucleotide position 1774. The alanine at codon 592 is replaced by threonine, an amino acid with similar properties. This amino acid position is conserved. In addition, this alteration is predicted to be tolerated by in silico analysis. Since supporting evidence is limited at this time, the clinical significance of this alteration remains unclear.

NM_017636.4(TRPM4):c.1774G>A (p.Ala592Thr)

Gene: TRPM4 (transient receptor potential cation channel subfamily M member 4; plus strand). Cytogenetic location: 19q13.33.
Variant type: single nucleotide variant.
Coding change: c.1774G>A on transcript NM_017636.4 (MANE Select); coding-DNA position 1774, G replaced by A.
Protein change: p.Ala592Thr; replaces alanine 592 with threonine.
Molecular consequence: missense variant.
Genome position (GRCh38, 1-based): chr19:49,188,671, G>A. VCF-style: chr19-49188671-G-A. GRCh37 (hg19) VCF-style: chr19-49691928-G-A.
Other names: c.1774G>A (NM_017636.3); c.1774G>A, p.Ala592Thr (NM_001195227.2); c.1429G>A, p.Ala477Thr (NM_001321281.2); c.166G>A, p.Ala56Thr (NM_001321282.2); c.1252G>A, p.Ala418Thr (NM_001321283.2); c.712G>A, p.Ala238Thr (NM_001321285.2); short protein forms A56T, A238T, A592T, A418T, A477T.
Identifiers: ClinVar variation 2104014 (VCV002104014.6), dbSNP rs987948052, ClinGen allele CA309446689.
Genomic context (GRCh38, chr19:49,188,671, plus strand): 5'-GACGCATCCGTGCCCTCTTTGTCTCTCCAGGGTTCCAATGCAGTTTCCTCAGCTCTTGGG[G>A]CCTGTTTGCTGCTCCGGGTGATGGCACGCCTGGAGCCTGACGCTGAGGAGGCAGCACGGA-3'
Protein context (NP_060106.2, residues 582-602): GSNAVSSALG[Ala592Thr]CLLLRVMARL